The following is an entry in ClinVar:

NM_004304.5(ALK):c.2627C>G (p.Ala876Gly)

Gene: ALK (ALK receptor tyrosine kinase; minus strand). Cytogenetic location: 2p23.2.
Variant type: single nucleotide variant.
Coding change: c.2627C>G on transcript NM_004304.5 (MANE Select); coding-DNA position 2627, C replaced by G.
Protein change: p.Ala876Gly; replaces alanine 876 with glycine.
Molecular consequence: missense variant.
Genome position (GRCh38, 1-based): chr2:29,232,309, G>C on the plus strand (C>G on the coding strand, the complement: ALK is on the minus strand). VCF-style: chr2-29232309-G-C. GRCh37 (hg19) VCF-style: chr2-29455175-G-C.
Other names: c.2627C>G (NM_004304.4); short protein forms A876G.
Identifiers: ClinVar variation 2161442 (VCV002161442.8), dbSNP rs1664235166, ClinGen allele CA346471466.
Genomic context (GRCh38, chr2:29,232,309, plus strand): 5'-CCCAGCTGAAGGCCTGGGAGAGGTTCTGGGAGAGGGCACGCTTGCAGCGCTTTACCTGCG[G>C]CTCCGGAATTGCCGTTTAGCCCTAGAACCGAGGAGTTATTCTCCAGTCTCTCTGGGTGGA-3'
Protein context (NP_004295.2, residues 866-886): SVLGLNGNSG[Ala876Gly]AGGGGGWNDN

ClinVar aggregate classification (germline): Uncertain significance. Review status: criteria provided, multiple submitters, no conflicts (2 of 4 stars). 3 submissions from 3 submitters: Uncertain significance (3). Last evaluated 2025-08-04.

Conditions:
Hereditary cancer-predisposing syndrome. Also called: Neoplastic Syndromes, Hereditary; Hereditary neoplastic syndrome; Hereditary Cancer Syndrome; Tumor predisposition. Identifiers: Orphanet 140162, MedGen C0027672, MeSH D009386, MONDO:0015356.
Neuroblastoma, susceptibility to, 3. Also called: ALK-Related Neuroblastic Tumor Susceptibility. Identifiers: Orphanet 635, MedGen C2751681, MONDO:0013083, OMIM 613014.

gnomAD v4.1: 2 of 1,614,248 alleles (0.00012%); highest among the groups gnomAD compares: Non-Finnish European, 0.00017%; no homozygotes.

Submissions (3):

Ambry Genetics
Classification: Uncertain significance for Hereditary cancer-predisposing syndrome. Last evaluated: 2025-08-04. Review status: criteria provided, single submitter. Criteria: Ambry Variant Classification Scheme 2023. Collection method: clinical testing. Allele origin: germline.
Comment: The p.A876G variant (also known as c.2627C>G), located in coding exon 15 of the ALK gene, results from a C to G substitution at nucleotide position 2627. The alanine at codon 876 is replaced by glycine, an amino acid with similar properties. This amino acid position is conserved. In addition, this alteration is predicted to be tolerated by in silico analysis. Since supporting evidence is limited at this time, the clinical significance of this alteration remains unclear.

Fulgent Genetics
Classification: Uncertain significance for Neuroblastoma, susceptibility to, 3. Last evaluated: 2024-04-23. Review status: criteria provided, single submitter. Criteria: ACMG Guidelines, 2015. Collection method: clinical testing. Allele origin: germline.

Labcorp Genetics (formerly Invitae), Labcorp
Classification: Uncertain significance for Neuroblastoma, susceptibility to, 3. Last evaluated: 2023-08-16. Review status: criteria provided, single submitter. Criteria: Invitae Variant Classification Sherloc (09022015). Collection method: clinical testing. Allele origin: germline.
Comment: An algorithm developed to predict the effect of missense changes on protein structure and function (PolyPhen-2) suggests that this variant is likely to be disruptive. This sequence change replaces alanine, which is neutral and non-polar, with glycine, which is neutral and non-polar, at codon 876 of the ALK protein (p.Ala876Gly). This variant is not present in population databases (gnomAD no frequency). This variant has not been reported in the literature in individuals affected with ALK-related conditions. ClinVar contains an entry for this variant (Variation ID: 2161442). In summary, the available evidence is currently insufficient to determine the role of this variant in disease. Therefore, it has been classified as a Variant of Uncertain Significance.